The following is an entry in ClinVar:

NM_001174089.2(SLC4A11):c.1742+1G>A

Gene: SLC4A11 (solute carrier family 4 member 11; minus strand). Cytogenetic location: 20p13.
Variant type: single nucleotide variant.
Coding change: c.1742+1G>A on transcript NM_001174089.2 (MANE Select); the canonical splice donor site of the intron after coding-DNA position 1742, G replaced by A.
Molecular consequence: splice donor variant.
Genome position (GRCh38, 1-based): chr20:3,229,523, C>T on the plus strand (G>A on the coding strand, the complement: SLC4A11 is on the minus strand). VCF-style: chr20-3229523-C-T. GRCh37 (hg19) VCF-style: chr20-3210169-C-T.
Other names: c.1685+1G>A (NM_001400277.1, NM_001400278.1, NM_001400279.1); c.1628+1G>A (NM_001363745.2); c.1757+1G>A (NM_001400280.1); c.1871+1G>A (NM_001174090.2); c.1790+1G>A (NM_032034.4).
Identifiers: ClinVar variation 4816302 (VCV004816302.1).

ClinVar aggregate classification (germline): Likely pathogenic (1 of 4 stars; one submission).

Conditions:
Corneal dystrophy-perceptive deafness syndrome (CDPD). Also called: CORNEAL DYSTROPHY AND SENSORINEURAL DEAFNESS; HARBOYAN SYNDROME. Identifiers: Orphanet 1490, MedGen C1857572, MONDO:0009015, OMIM 217400.

Submission:

Natera, Inc.
Classification: Likely pathogenic for Corneal dystrophy-perceptive deafness syndrome. Last evaluated: 2025-06-05. Review status: criteria provided, single submitter. Criteria: Natera Variant Classification Schema (03/2026). Collection method: clinical testing. Allele origin: germline.
Comment: The c.1790+1G>A variant in SLC4A11 is a canonical splice donor site variant predicted to affect pre-mRNA splicing, which may result in an abnormal transcript and altered protein product. This variant is expected to result in nonsense mediated decay, truncation, or a dysfunctional protein product. This variant is rare in the general population with a frequency below the threshold expected for the associated phenotype(s). Given the available evidence, this variant is classified as Likely Pathogenic.